The following is an entry in ClinVar:

ClinVar aggregate classification (germline): Uncertain significance. Review status: criteria provided, multiple submitters, no conflicts (2 of 4 stars). 2 submissions from 2 submitters: Uncertain significance (2). Last evaluated 2021-06-28.

Conditions:
Hereditary cancer-predisposing syndrome. Also called: Hereditary neoplastic syndrome; Neoplastic Syndromes, Hereditary; Tumor predisposition; Hereditary Cancer Syndrome. Identifiers: Orphanet 140162, MedGen C0027672, MeSH D009386, MONDO:0015356.
Fanconi anemia complementation group J. Also called: BRIP1-Related Fanconi Anemia. Identifiers: Orphanet 84, MedGen C1836860, MONDO:0012187, OMIM 609054.
Familial cancer of breast. Also called: BREAST CANCER, FAMILIAL; hereditary breast carcinoma; Hereditary breast cancer. Identifiers: Orphanet 227535, MedGen C0346153, MONDO:0016419, OMIM 114480. Disease mechanism: loss of function.

Submissions (2):

Ambry Genetics
Classification: Uncertain significance for Hereditary cancer-predisposing syndrome. Last evaluated: 2021-06-28. Review status: criteria provided, single submitter. Criteria: Ambry Variant Classification Scheme 2023. Collection method: clinical testing. Allele origin: germline.
Comment: The c.2284_2285delCGinsTA variant, located in coding exon 15 of the BRIP1 gene, results from an in-frame deletion of CG and insertion of TA at nucleotide positions 2284 to 2285. This results in the substitution of the arginine residue for a tyrosine residue at codon 762, an amino acid with similar properties. This amino acid position is highly conserved in available vertebrate species. This variant is considered to be rare based on population cohorts in the Genome Aggregation Database (gnomAD). In addition, this alteration is predicted to be deleterious by in silico analysis (Choi Y et al. PLoS ONE. 2012; 7(10):e46688). Since supporting evidence is limited at this time, the clinical significance of this alteration remains unclear.

Labcorp Genetics (formerly Invitae), Labcorp
Classification: Uncertain significance for Familial cancer of breast; Fanconi anemia complementation group J. Last evaluated: 2017-03-28. Review status: criteria provided, single submitter. Criteria: Invitae Variant Classification Sherloc (09022015). Collection method: clinical testing. Allele origin: germline.
Comment: This variant, c.2284_2285delCGinsTA, is a complex sequence change that results in the replacement of arginine with tyrosine at the highly conserved codon 762 of the BRIP1 protein (p.Arg762Tyr) but otherwise preserves the integrity of the reading frame. This variant is not present in population databases (ExAC no frequency) and has not been reported in the literature in individuals with a BRIP1-related disease. Experimental studies and prediction algorithms are not available for this variant, and the functional significance of the replaced amino acid is currently unknown. In summary, this variant is a novel in-frame complex sequence change with uncertain impact on protein function. There is no indication that it causes disease, but the available evidence is currently insufficient to prove that conclusively. Therefore, it has been classified as a Variant of Uncertain Significance.

NM_032043.3(BRIP1):c.2284_2285delinsTA (p.Arg762Tyr)

Gene: BRIP1 (BRCA1 interacting DNA helicase 1; minus strand). Cytogenetic location: 17q23.2.
Variant type: Indel.
Coding change: c.2284_2285delinsTA on transcript NM_032043.3 (MANE Select); coding-DNA positions 2284 to 2285, CG replaced by TA.
Protein change: p.Arg762Tyr; replaces arginine 762 with tyrosine.
Molecular consequence: missense variant.
Genome position (GRCh38, 1-based): chr17:61,743,107-61,743,108, CG replaced by TA on the plus strand (CG replaced by TA on the coding strand, the reverse complement: BRIP1 is on the minus strand). VCF-style: chr17-61743107-CG-TA. GRCh37 (hg19) VCF-style: chr17-59820468-CG-TA.
Other names: c.2284_2285delCGinsTA (NM_032043.2); short protein forms R762Y.
Identifiers: ClinVar variation 461101 (VCV000461101.10), dbSNP rs1555590511, ClinGen allele CA658658661.